The following is an entry in ClinVar:

ClinVar aggregate classification (germline): Pathogenic (1 of 4 stars; one submission).

Submission:

ISCA Site 6
Classification: Pathogenic. Last evaluated: 2011-08-12. Review status: criteria provided, single submitter. Criteria: Kaminsky et al. (Genet Med. 2011). Collection method: clinical testing. Allele origin: unknown. Affected: yes. Observed: 1 variant allele.
Comment: Copy number variation identified through the course of routine clinical cytogenomic testing in postnatal populations. Clinical assertions have been curated as described in Kaminsky et al. 2011.

GRCh38/hg38 3q29(chr3:196035777-197658540)x1

Genes: MELTF (melanotransferrin; minus strand), MELTF-AS1 (MELTF antisense RNA 1; plus strand), MIR4797 (microRNA 4797; minus strand), NCBP2 (nuclear cap binding protein subunit 2; minus strand), NCBP2-AS1 (NCBP2 antisense RNA 1; plus strand) and 108 more. Cytogenetic location: 3q29.
Variant type: copy number loss.
Change: copy number 1 (one copy instead of two) of chr3:196,035,777-197,658,540 (1.62 Mb, GRCh38 coordinates, 1-based), cytogenetic band 3q29.
Identifiers: ClinVar variation 59288 (VCV000059288.2).